The following is an entry in ClinVar:

NM_001048174.2(MUTYH):c.703T>C (p.Trp235Arg)

Gene: MUTYH (mutY DNA glycosylase; minus strand). Cytogenetic location: 1p34.1.
Variant type: single nucleotide variant.
Coding change: c.703T>C on transcript NM_001048174.2 (MANE Select); coding-DNA position 703, T replaced by C.
Protein change: p.Trp235Arg; replaces tryptophan 235 with arginine.
Molecular consequence: missense variant. On other transcripts: non-coding transcript variant (2).
Genome position (GRCh38, 1-based): chr1:45,332,392, A>G on the plus strand (T>C on the coding strand, the complement: MUTYH is on the minus strand). VCF-style: chr1-45332392-A-G. GRCh37 (hg19) VCF-style: chr1-45798064-A-G.
Other names: c.703T>C, p.Trp235Arg (NM_001048171.2, NM_001048173.2, NM_001293195.2); c.706T>C, p.Trp236Arg (NM_001048172.2); c.787T>C, p.Trp263Arg (NM_001128425.2); c.748T>C, p.Trp250Arg (NM_001293190.2); c.736T>C, p.Trp246Arg (NM_001293191.2); c.427T>C, p.Trp143Arg (NM_001293192.2, NM_001293196.2); c.358T>C, p.Trp120Arg (NM_001350650.2, NM_001350651.2); c.778T>C, p.Trp260Arg (NM_012222.3); short protein forms W263R, W246R, W235R, W260R, W143R, W236R, W250R, W120R.
Identifiers: ClinVar variation 565360 (VCV000565360.17), dbSNP rs1557472871, ClinGen allele CA340134748.

ClinVar aggregate classification (germline): Uncertain significance. Review status: criteria provided, multiple submitters, no conflicts (2 of 4 stars). 4 submissions from 4 submitters: Uncertain significance (4). Last evaluated 2025-04-28.

Conditions:
Hereditary cancer-predisposing syndrome. Also called: Tumor predisposition; Neoplastic Syndromes, Hereditary; Hereditary neoplastic syndrome; Hereditary Cancer Syndrome. Identifiers: Orphanet 140162, MedGen C0027672, MeSH D009386, MONDO:0015356.
Familial adenomatous polyposis 2. Also called: MYH-associated polyposis; FAP type 2; COLORECTAL ADENOMATOUS POLYPOSIS, AUTOSOMAL RECESSIVE; ADENOMAS, MULTIPLE COLORECTAL, AUTOSOMAL RECESSIVE; MUTYH-related attenuated familial adenomatous polyposis; MUTYH Polyposis. Identifiers: Orphanet 220460, Orphanet 247798, MedGen C3272841, MONDO:0012041, OMIM 608456.

Submissions (4):

Ambry Genetics
Classification: Uncertain significance for Hereditary cancer-predisposing syndrome. Last evaluated: 2025-04-28. Review status: criteria provided, single submitter. Criteria: Ambry Variant Classification Scheme 2023. Collection method: clinical testing. Allele origin: germline.
Comment: The p.W263R variant (also known as c.787T>C), located in coding exon 9 of the MUTYH gene, results from a T to C substitution at nucleotide position 787. The tryptophan at codon 263 is replaced by arginine, an amino acid with dissimilar properties. This amino acid position is highly conserved in available vertebrate species. In addition, this alteration is predicted to be deleterious by in silico analysis. Based on the available evidence, the clinical significance of this variant remains unclear.

Color Diagnostics, LLC DBA Color Health
Classification: Uncertain significance for Hereditary cancer-predisposing syndrome. Last evaluated: 2025-01-28. Review status: criteria provided, single submitter. Criteria: ACMG Guidelines, 2015. Collection method: clinical testing. Allele origin: germline.
Comment: This missense variant replaces tryptophan with arginine at codon 263 of the MUTYH protein. Computational prediction suggests that this variant may have deleterious impact on protein structure and function. To our knowledge, functional studies have not been reported for this variant. This variant has not been reported in individuals affected with MUTYH-related disorders in the literature. This variant has not been identified in the general population by the Genome Aggregation Database (gnomAD). The available evidence is insufficient to determine the role of this variant in disease conclusively. Therefore, this variant is classified as a Variant of Uncertain Significance.

Labcorp Genetics (formerly Invitae), Labcorp
Classification: Uncertain significance for Familial adenomatous polyposis 2. Last evaluated: 2024-12-07. Review status: criteria provided, single submitter. Criteria: Invitae Variant Classification Sherloc (09022015). Collection method: clinical testing. Allele origin: germline.
Comment: This sequence change replaces tryptophan, which is neutral and slightly polar, with arginine, which is basic and polar, at codon 263 of the MUTYH protein (p.Trp263Arg). This variant is not present in population databases (gnomAD no frequency). This variant has not been reported in the literature in individuals affected with MUTYH-related conditions. ClinVar contains an entry for this variant (Variation ID: 565360). An algorithm developed to predict the effect of missense changes on protein structure and function (PolyPhen-2) suggests that this variant is likely to be disruptive. This variant disrupts the p.Trp263 amino acid residue in MUTYH. Other variant(s) that disrupt this residue have been determined to be pathogenic (PMID: 9536098, 17576681; internal data). This suggests that this residue is clinically significant, and that variants that disrupt this residue are likely to be disease-causing. In summary, the available evidence is currently insufficient to determine the role of this variant in disease. Therefore, it has been classified as a Variant of Uncertain Significance.

Quest Diagnostics Nichols Institute San Juan Capistrano
Classification: Uncertain significance. Last evaluated: 2024-11-05. Review status: criteria provided, single submitter. Criteria: Quest Diagnostics criteria. Collection method: clinical testing. Allele origin: unknown.
Comment: The MUTYH c.787T>C (p.Trp263Arg) variant has not been reported in individuals with MUTYH-related conditions in the published literature. It also has not been reported in large, multi-ethnic general populations (Genome Aggregation Database). Analysis of this variant using bioinformatics tools for the prediction of the effect of amino acid changes on protein structure and function yielded predictions that this variant is damaging. Based on the available information, we are unable to determine the clinical significance of this variant.

Literature cited by the submitters: PubMed 9536098 (cited by Labcorp Genetics (formerly Invitae), Labcorp); PubMed 17576681 (cited by Labcorp Genetics (formerly Invitae), Labcorp).